The following is an entry in ClinVar:

ClinVar aggregate classification (germline): Uncertain significance (1 of 4 stars; one submission).

Allele frequency attached by ClinVar (database versions not stated): ExAC 0.00001; gnomAD 0.00001; gnomAD exomes 0.00001; TOPMed 0.00001.
gnomAD v4.1: 15 of 1,583,440 alleles (0.00095%); highest among the groups gnomAD compares: African/African-American, 0.0027%; no homozygotes.

Submission:

Labcorp Genetics (formerly Invitae), Labcorp
Classification: Uncertain significance. Last evaluated: 2021-04-16. Review status: criteria provided, single submitter. Criteria: Invitae Variant Classification Sherloc (09022015). Collection method: clinical testing. Allele origin: germline.
Comment: This sequence change replaces arginine with cysteine at codon 1340 of the MPDZ protein (p.Arg1340Cys). The arginine residue is highly conserved and there is a large physicochemical difference between arginine and cysteine. This variant is present in population databases (rs763695296, ExAC 0.002%). This variant has not been reported in the literature in individuals with MPDZ-related conditions. Algorithms developed to predict the effect of missense changes on protein structure and function (SIFT, PolyPhen-2, Align-GVGD) all suggest that this variant is likely to be disruptive, but these predictions have not been confirmed by published functional studies and their clinical significance is uncertain. In summary, the available evidence is currently insufficient to determine the role of this variant in disease. Therefore, it has been classified as a Variant of Uncertain Significance.

NM_001378778.1(MPDZ):c.4018C>T (p.Arg1340Cys)

Gene: MPDZ (multiple PDZ domain crumbs cell polarity complex component; minus strand). Cytogenetic location: 9p23.
Variant type: single nucleotide variant.
Coding change: c.4018C>T on transcript NM_001378778.1 (MANE Select); coding-DNA position 4018, C replaced by T.
Protein change: p.Arg1340Cys; replaces arginine 1340 with cysteine.
Molecular consequence: missense variant.
Genome position (GRCh38, 1-based): chr9:13,138,139, G>A on the plus strand (C>T on the coding strand, the complement: MPDZ is on the minus strand). VCF-style: chr9-13138139-G-A. GRCh37 (hg19) VCF-style: chr9-13138138-G-A.
Other names: c.3919C>T, p.Arg1307Cys (NM_001261406.2, NM_001261407.2, NM_001375416.1 and 3 more transcripts); c.4018C>T, p.Arg1340Cys (NM_001330637.2, NM_001375413.1, NM_003829.5); c.3808C>T, p.Arg1270Cys (NM_001375420.1, NM_001375421.1, NM_001375422.1 and 4 more transcripts); c.3610C>T, p.Arg1204Cys (NM_001375427.1); short protein forms R1204C, R1270C, R1340C, R1307C.
Identifiers: ClinVar variation 1392034 (VCV001392034.8), dbSNP rs763695296, ClinGen allele CA4986851.